The following is an entry in ClinVar:

ClinVar aggregate classification (germline): Uncertain significance. Review status: criteria provided, multiple submitters, no conflicts (2 of 4 stars). 4 submissions from 4 submitters: Uncertain significance (3). 1 of the submissions does not count toward it. Last evaluated 2024-10-18.

Conditions:
Arrhythmogenic right ventricular dysplasia 10. Also called: Arrhythmogenic Right Ventricular Dysplasia/Cardiomyopathy10; ARRHYTHMOGENIC RIGHT VENTRICULAR DYSPLASIA, FAMILIAL, 10; Arrhythmogenic right ventricular dysplasia/cardiomyopathy, type 10. Identifiers: MedGen C1857777, MONDO:0012434, OMIM 610193.
DSG2-related disorder. Also called: DSG2-related condition.
Cardiovascular phenotype. Identifiers: MedGen CN230736.

Allele frequency attached by ClinVar (database versions not stated): TOPMed below 0.00001.

Submissions (4):

Labcorp Genetics (formerly Invitae), Labcorp
Classification: Uncertain significance for Arrhythmogenic right ventricular dysplasia 10. Last evaluated: 2024-10-18. Review status: criteria provided, single submitter. Criteria: Invitae Variant Classification Sherloc (09022015). Collection method: clinical testing. Allele origin: germline.
Comment: This sequence change replaces alanine, which is neutral and non-polar, with glycine, which is neutral and non-polar, at codon 694 of the DSG2 protein (p.Ala694Gly). This variant is not present in population databases (gnomAD no frequency). This variant has not been reported in the literature in individuals affected with DSG2-related conditions. ClinVar contains an entry for this variant (Variation ID: 2162970). Invitae Evidence Modeling of protein sequence and biophysical properties (such as structural, functional, and spatial information, amino acid conservation, physicochemical variation, residue mobility, and thermodynamic stability) indicates that this missense variant is not expected to disrupt DSG2 protein function with a negative predictive value of 95%. In summary, the available evidence is currently insufficient to determine the role of this variant in disease. Therefore, it has been classified as a Variant of Uncertain Significance.

GeneDx
Classification: Uncertain significance. Last evaluated: 2023-11-22. Review status: criteria provided, single submitter. Criteria: GeneDx Variant Classification Process June 2021. Collection method: clinical testing. Allele origin: germline. Affected: yes.
Comment: Not observed at significant frequency in large population cohorts (gnomAD); In silico analysis supports that this missense variant does not alter protein structure/function; Has not been previously published as pathogenic or benign to our knowledge

Ambry Genetics
Classification: Uncertain significance for Cardiovascular phenotype. Last evaluated: 2023-09-03. Review status: criteria provided, single submitter. Criteria: Ambry Variant Classification Scheme 2023. Collection method: clinical testing. Allele origin: germline.
Comment: The p.A694G variant (also known as c.2081C>G), located in coding exon 14 of the DSG2 gene, results from a C to G substitution at nucleotide position 2081. The alanine at codon 694 is replaced by glycine, an amino acid with similar properties. This amino acid position is poorly conserved in available vertebrate species. In addition, this alteration is predicted to be tolerated by in silico analysis. Since supporting evidence is limited at this time, the clinical significance of this alteration remains unclear.

PreventionGenetics, part of Exact Sciences
Classification: Uncertain significance for DSG2-related condition. Last evaluated: 2023-12-21. Review status: no assertion criteria provided. Collection method: clinical testing. Allele origin: germline. Not counted in ClinVar's aggregate classification.
Comment: The DSG2 c.2081C>G variant is predicted to result in the amino acid substitution p.Ala694Gly. To our knowledge, this variant has not been reported in the literature or in a large population database, indicating this variant is rare. At this time, the clinical significance of this variant is uncertain due to the absence of conclusive functional and genetic evidence.

NM_001943.5(DSG2):c.2081C>G (p.Ala694Gly)

Genes: DSG2 (desmoglein 2; plus strand), DSG2-AS1 (DSG2 antisense RNA 1; minus strand). Cytogenetic location: 18q12.1.
Variant type: single nucleotide variant.
Coding change: c.2081C>G on transcript NM_001943.5 (MANE Select); coding-DNA position 2081, C replaced by G.
Protein change: p.Ala694Gly; replaces alanine 694 with glycine.
Molecular consequence: missense variant.
Genome position (GRCh38, 1-based): chr18:31,542,599, C>G. VCF-style: chr18-31542599-C-G. GRCh37 (hg19) VCF-style: chr18-29122562-C-G.
Other names: c.2081C>G (NM_001943.4); short protein forms A694G.
Identifiers: ClinVar variation 2162970 (VCV002162970.9), dbSNP rs2073275365, ClinGen allele CA402141522.
Genomic context (GRCh38, chr18:31,542,599, plus strand): 5'-CAGTGGATCAAGGGGGCAGTCTAGTAGGAAGAAATGGAGTAGGAGGTATGGCCAAGGAAG[C>G]CACGATGAAAGGAAGTAGCTCTGCTTCCATTGTCAAAGGGCAACATGAGATGTCCGAGAT-3'
Protein context (NP_001934.2, residues 684-704): RNGVGGMAKE[Ala694Gly]TMKGSSSASI